The following is an entry in ClinVar:

ClinVar aggregate classification (germline): Pathogenic/Likely pathogenic. Review status: criteria provided, multiple submitters, no conflicts (2 of 4 stars). 3 submissions from 3 submitters: Pathogenic (1); Likely pathogenic (1). 1 of the submissions does not count toward it. Last evaluated 2023-09-18.

Conditions:
Intellectual developmental disorder, autosomal dominant 58. Also called: MENTAL RETARDATION, AUTOSOMAL DOMINANT 58; Intellectual disability, autosomal dominant 58. Identifiers: MedGen C4748195, MONDO:0020847, OMIM 618106.
SET-related disorder. Also called: SET-related condition.

Submissions (3):

GeneDx
Classification: Pathogenic. Last evaluated: 2023-09-18. Review status: criteria provided, single submitter. Criteria: GeneDx Variant Classification Process June 2021. Collection method: clinical testing. Allele origin: germline. Affected: yes.
Comment: Frameshift variant predicted to result in protein truncation or nonsense mediated decay in a gene for which loss-of-function is a known mechanism of disease; Not observed at significant frequency in large population cohorts (gnomAD); This variant is associated with the following publications: (PMID: 36477409)

Blueprint Genetics
Classification: Likely pathogenic for SET-related disorders. Last evaluated: 2021-04-27. Review status: criteria provided, single submitter. Criteria: ACMG Guidelines, 2015. Collection method: clinical testing. Allele origin: germline. Affected: yes. Observed: 1 variant allele.

Clinical Genetics Laboratory, University Hospital Schleswig-Holstein
Classification: Pathogenic for Intellectual developmental disorder, autosomal dominant 58. Last evaluated: 2022-11-10. Review status: no assertion criteria provided. Collection method: clinical testing. Allele origin: de novo. Affected: yes. Not counted in ClinVar's aggregate classification.

NM_003011.4(SET):c.78_81del (p.Lys26fs)

Gene: SET (SET nuclear proto-oncogene; plus strand). Cytogenetic location: 9q34.11.
Variant type: Deletion.
Coding change: c.78_81del on transcript NM_003011.4 (MANE Select); coding-DNA positions 78 to 81, 4 bases deleted (AGAA; older notation c.78_81delAGAA).
Protein change: p.Lys26fs; shifts the reading frame from lysine 26.
Molecular consequence: frameshift variant.
Genome position (GRCh38, 1-based): chr9:128,691,174-128,691,177, AGAA deleted; deleting any 4 consecutive bases within chr9:128,691,172-128,691,177 gives the same sequence; the c. name uses the placement nearest the transcript's 3' end. VCF-style (leftmost placement, unchanged base first): chr9-128691171-AAAAG-A. GRCh37 (hg19) VCF-style: chr9-131453450-AAAAG-A.
Other names: c.117_120del, p.Lys39fs (NM_001122821.2, NM_001374326.1); c.51_54del, p.Lys17fs (NM_001248000.2); c.45_48del, p.Lys15fs (NM_001248001.2); c.117_120delAGAA (NM_001122821.1); short protein forms K17fs, K26fs, K15fs, K39fs.
Identifiers: ClinVar variation 817338 (VCV000817338.7), dbSNP rs1589457762, ClinGen allele CA915947194.